The following is an entry in ClinVar:

NM_001372.4(DNAH9):c.7364G>A (p.Ser2455Asn)

Gene: DNAH9 (dynein axonemal heavy chain 9; plus strand). Cytogenetic location: 17p12.
Variant type: single nucleotide variant.
Coding change: c.7364G>A on transcript NM_001372.4 (MANE Select); coding-DNA position 7364, G replaced by A.
Protein change: p.Ser2455Asn; replaces serine 2455 with asparagine.
Molecular consequence: missense variant.
Genome position (GRCh38, 1-based): chr17:11,769,141, G>A. VCF-style: chr17-11769141-G-A. GRCh37 (hg19) VCF-style: chr17-11672458-G-A.
Other names: short protein forms S2455N.
Identifiers: ClinVar variation 3619489 (VCV003619489.2).
Genomic context (GRCh38, chr17:11,769,141, plus strand): 5'-TAGAGCCCACCCTTGGCAGGCTTATTGTGCTCCCATTCCAGGCGTGTTTGGTGCACACGA[G>A]TGAGACCATCCGTGTGTGCTACTTCATGGAGCGGTTGATGGCGCGGCAGCGGCCTGTCAT-3'
Protein context (NP_001363.2, residues 2445-2465): MPLQACLVHT[Ser2455Asn]ETIRVCYFME

ClinVar aggregate classification (germline): Uncertain significance (1 of 4 stars; one submission).

gnomAD v4.1: 14 of 1,614,122 alleles (0.00087%); highest among the groups gnomAD compares: African/African-American, 0.017%; no homozygotes.

Submission:

Labcorp Genetics (formerly Invitae), Labcorp
Classification: Uncertain significance. Last evaluated: 2024-04-15. Review status: criteria provided, single submitter. Criteria: Invitae Variant Classification Sherloc (09022015). Collection method: clinical testing. Allele origin: germline.
Comment: This sequence change replaces serine, which is neutral and polar, with asparagine, which is neutral and polar, at codon 2455 of the DNAH9 protein (p.Ser2455Asn). This variant is present in population databases (rs145081926, gnomAD 0.008%). This variant has not been reported in the literature in individuals affected with DNAH9-related conditions. Advanced modeling of protein sequence and biophysical properties (such as structural, functional, and spatial information, amino acid conservation, physicochemical variation, residue mobility, and thermodynamic stability) performed at Invitae indicates that this missense variant is not expected to disrupt DNAH9 protein function with a negative predictive value of 80%. In summary, the available evidence is currently insufficient to determine the role of this variant in disease. Therefore, it has been classified as a Variant of Uncertain Significance.